The following is an entry in ClinVar:

ClinVar aggregate classification (germline): Uncertain significance (1 of 4 stars; one submission).

Conditions:
Familial hypocalciuric hypercalcemia (FHH). Also called: Familial benign hypercalcemia. Identifiers: Orphanet 405, MedGen C1809471, MONDO:0018458.
Autosomal dominant hypocalcemia 1 (HYPOC1). Also called: HYPOCALCEMIA, FAMILIAL. Identifiers: MedGen C3715128, MONDO:0011013, OMIM 601198.

Allele frequency attached by ClinVar (database versions not stated): gnomAD exomes below 0.00001.
gnomAD v4.1: 1 of 1,614,240 alleles (0.000062%); highest among the groups gnomAD compares: Non-Finnish European, 0.000085%; no homozygotes.

Submission:

Labcorp Genetics (formerly Invitae), Labcorp
Classification: Uncertain significance for Familial hypocalciuric hypercalcemia; Autosomal dominant hypocalcemia 1. Last evaluated: 2017-12-23. Review status: criteria provided, single submitter. Criteria: Invitae Variant Classification Sherloc (09022015). Collection method: clinical testing. Allele origin: germline.
Comment: In summary, the available evidence is currently insufficient to determine the role of this variant in disease. Therefore, it has been classified as a Variant of Uncertain Significance. Algorithms developed to predict the effect of missense changes on protein structure and function (SIFT, PolyPhen-2, Align-GVGD) all suggest that this variant is likely to be disruptive, but these predictions have not been confirmed by published functional studies and their clinical significance is uncertain. This variant has not been reported in the literature in individuals with CASR-related disease. This variant is not present in population databases (ExAC no frequency). This sequence change replaces leucine with serine at codon 108 of the CASR protein (p.Leu108Ser). The leucine residue is highly conserved and there is a large physicochemical difference between leucine and serine.

NM_000388.4(CASR):c.323T>C (p.Leu108Ser)

Gene: CASR (calcium sensing receptor; plus strand). Cytogenetic location: 3q21.1.
Variant type: single nucleotide variant.
Coding change: c.323T>C on transcript NM_000388.4 (MANE Select); coding-DNA position 323, T replaced by C.
Protein change: p.Leu108Ser; replaces leucine 108 with serine.
Molecular consequence: missense variant.
Genome position (GRCh38, 1-based): chr3:122,257,218, T>C. VCF-style: chr3-122257218-T-C. GRCh37 (hg19) VCF-style: chr3-121976065-T-C.
Other names: c.323T>C, p.Leu108Ser (NM_001178065.2); short protein forms L108S.
Identifiers: ClinVar variation 532591 (VCV000532591.10), dbSNP rs1553766242, ClinGen allele CA354362646.
Genomic context (GRCh38, chr3:122,257,218, plus strand): 5'-TTCCCAACTTGACGCTGGGATACAGGATATTTGACACTTGCAACACCGTTTCTAAGGCCT[T>C]GGAAGCCACCCTGAGTTTTGTTGCTCAAAACAAAATTGATTCTTTGAACCTTGATGAGTT-3'
Protein context (NP_000379.3, residues 98-118): FDTCNTVSKA[Leu108Ser]EATLSFVAQN